The following is an entry in ClinVar:

ClinVar aggregate classification (germline): Uncertain significance. Review status: criteria provided, multiple submitters, no conflicts (2 of 4 stars). 2 submissions from 2 submitters: Uncertain significance (2). Last evaluated 2024-07-12.

Allele frequency attached by ClinVar (database versions not stated): ESP Exome Variant Server 0.00008.
gnomAD v4.1: 16 of 1,611,462 alleles (0.00099%); highest among the groups gnomAD compares: African/African-American, 0.0053%; no homozygotes.

Submissions (2):

Labcorp Genetics (formerly Invitae), Labcorp
Classification: Uncertain significance. Last evaluated: 2024-07-12. Review status: criteria provided, single submitter. Criteria: Invitae Variant Classification Sherloc (09022015). Collection method: clinical testing. Allele origin: germline.
Comment: This sequence change replaces leucine, which is neutral and non-polar, with valine, which is neutral and non-polar, at codon 631 of the TAOK2 protein (p.Leu631Val). This variant is present in population databases (rs141485756, gnomAD 0.009%). This variant has not been reported in the literature in individuals affected with TAOK2-related conditions. ClinVar contains an entry for this variant (Variation ID: 2388254). An algorithm developed to predict the effect of missense changes on protein structure and function (PolyPhen-2) suggests that this variant is likely to be disruptive. In summary, the available evidence is currently insufficient to determine the role of this variant in disease. Therefore, it has been classified as a Variant of Uncertain Significance.

Ambry Genetics
Classification: Uncertain significance. Last evaluated: 2021-06-11. Review status: criteria provided, single submitter. Criteria: Ambry Variant Classification Scheme 2023. Collection method: clinical testing. Allele origin: germline.

NM_016151.4(TAOK2):c.1891C>G (p.Leu631Val)

Gene: TAOK2 (TAO kinase 2; plus strand). Cytogenetic location: 16p11.2.
Variant type: single nucleotide variant.
Coding change: c.1891C>G on transcript NM_016151.4 (MANE Select); coding-DNA position 1891, C replaced by G.
Protein change: p.Leu631Val; replaces leucine 631 with valine.
Molecular consequence: missense variant.
Genome position (GRCh38, 1-based): chr16:29,985,760, C>G. VCF-style: chr16-29985760-C-G. GRCh37 (hg19) VCF-style: chr16-29997081-C-G.
Other names: c.1891C>G, p.Leu631Val (NM_001252043.2, NM_004783.4); short protein forms L631V.
Identifiers: ClinVar variation 2388254 (VCV002388254.5), dbSNP rs141485756, ClinGen allele CA7998246.